The following is an entry in ClinVar:

NM_002291.3(LAMB1):c.1826A>C (p.Glu609Ala)

Gene: LAMB1 (laminin subunit beta 1; minus strand). Cytogenetic location: 7q31.1.
Variant type: single nucleotide variant.
Coding change: c.1826A>C on transcript NM_002291.3 (MANE Select); coding-DNA position 1826, A replaced by C.
Protein change: p.Glu609Ala; replaces glutamic acid 609 with alanine.
Molecular consequence: missense variant.
Genome position (GRCh38, 1-based): chr7:107,962,936, T>G on the plus strand (A>C on the coding strand, the complement: LAMB1 is on the minus strand). VCF-style: chr7-107962936-T-G. GRCh37 (hg19) VCF-style: chr7-107603381-T-G.
Other names: short protein forms E609A.
Identifiers: ClinVar variation 2552157 (VCV002552157.3), dbSNP rs907704528, ClinGen allele CA164254288.

ClinVar aggregate classification (germline): Uncertain significance. Review status: criteria provided, multiple submitters, no conflicts (2 of 4 stars). 2 submissions from 2 submitters: Uncertain significance (2). Last evaluated 2024-01-07.

Conditions:
Inborn genetic diseases. Identifiers: MedGen C0950123, MeSH D030342.

Allele frequency attached by ClinVar (database versions not stated): TOPMed below 0.00001; gnomAD 0.00001; gnomAD exomes 0.00001.
gnomAD v4.1: 16 of 1,613,872 alleles (0.00099%); highest among the groups gnomAD compares: African/African-American, 0.0013%; no homozygotes.

Submissions (2):

GeneDx
Classification: Uncertain significance. Last evaluated: 2024-01-07. Review status: criteria provided, single submitter. Criteria: GeneDx Variant Classification Process June 2021. Collection method: clinical testing. Allele origin: germline. Affected: yes.
Comment: Not observed at significant frequency in large population cohorts (gnomAD); In silico analysis supports that this missense variant has a deleterious effect on protein structure/function; Has not been previously published as pathogenic or benign to our knowledge; This variant is associated with the following publications: (PMID: 23472759)

Ambry Genetics
Classification: Uncertain significance for Inborn genetic diseases. Last evaluated: 2023-05-26. Review status: criteria provided, single submitter. Criteria: Ambry Variant Classification Scheme 2023. Collection method: clinical testing. Allele origin: germline.